The following is an entry in ClinVar:

NM_032043.3(BRIP1):c.469G>C (p.Glu157Gln)

Gene: BRIP1 (BRCA1 interacting DNA helicase 1; minus strand). Cytogenetic location: 17q23.2.
Variant type: single nucleotide variant.
Coding change: c.469G>C on transcript NM_032043.3 (MANE Select); coding-DNA position 469, G replaced by C.
Protein change: p.Glu157Gln; replaces glutamic acid 157 with glutamine.
Molecular consequence: missense variant.
Genome position (GRCh38, 1-based): chr17:61,849,167, C>G on the plus strand (G>C on the coding strand, the complement: BRIP1 is on the minus strand). VCF-style: chr17-61849167-C-G. GRCh37 (hg19) VCF-style: chr17-59926528-C-G.
Other names: c.469G>C (NM_032043.2); short protein forms E157Q.
Identifiers: ClinVar variation 1478956 (VCV001478956.8), dbSNP rs2078778379, ClinGen allele CA400484424.
Genomic context (GRCh38, chr17:61,849,167, plus strand): 5'-ACTGCCAATAAACTCTGTTTACCTGCTGTGTAGTTTCTAAGGGTCGAATTCTTTTCTTCT[C>G]TACTTGAAAATCATCATTTTCATCTCTGTATATGGATGCCTGTTTCTTAGCAGATAACTT-3'
Protein context (NP_114432.2, residues 147-167): YRDENDDFQV[Glu157Gln]KKRIRPLETT

ClinVar aggregate classification (germline): Uncertain significance. Review status: criteria provided, multiple submitters, no conflicts (2 of 4 stars). 2 submissions from 2 submitters: Uncertain significance (2). Last evaluated 2023-05-21.

Conditions:
Hereditary cancer-predisposing syndrome. Also called: Hereditary neoplastic syndrome; Tumor predisposition; Neoplastic Syndromes, Hereditary; Hereditary Cancer Syndrome. Identifiers: Orphanet 140162, MedGen C0027672, MeSH D009386, MONDO:0015356.
Familial cancer of breast. Also called: Hereditary breast cancer; BREAST CANCER, FAMILIAL; hereditary breast carcinoma. Identifiers: Orphanet 227535, MedGen C0346153, MONDO:0016419, OMIM 114480. Disease mechanism: loss of function.
Fanconi anemia complementation group J. Also called: BRIP1-Related Fanconi Anemia. Identifiers: Orphanet 84, MedGen C1836860, MONDO:0012187, OMIM 609054.

Submissions (2):

Ambry Genetics
Classification: Uncertain significance for Hereditary cancer-predisposing syndrome. Last evaluated: 2023-05-21. Review status: criteria provided, single submitter. Criteria: Ambry Variant Classification Scheme 2023. Collection method: clinical testing. Allele origin: germline.
Comment: The p.E157Q variant (also known as c.469G>C), located in coding exon 4 of the BRIP1 gene, results from a G to C substitution at nucleotide position 469. The glutamic acid at codon 157 is replaced by glutamine, an amino acid with highly similar properties. This amino acid position is conserved. In addition, this alteration is predicted to be tolerated by in silico analysis. Since supporting evidence is limited at this time, the clinical significance of this alteration remains unclear.

Labcorp Genetics (formerly Invitae), Labcorp
Classification: Uncertain significance for Familial cancer of breast; Fanconi anemia complementation group J. Last evaluated: 2021-10-04. Review status: criteria provided, single submitter. Criteria: Invitae Variant Classification Sherloc (09022015). Collection method: clinical testing. Allele origin: germline.
Comment: In summary, the available evidence is currently insufficient to determine the role of this variant in disease. Therefore, it has been classified as a Variant of Uncertain Significance. Algorithms developed to predict the effect of missense changes on protein structure and function are either unavailable or do not agree on the potential impact of this missense change (SIFT: "Tolerated"; PolyPhen-2: "Possibly Damaging"; Align-GVGD: "Class C0"). This variant has not been reported in the literature in individuals affected with BRIP1-related conditions. This variant is not present in population databases (ExAC no frequency). This sequence change replaces glutamic acid with glutamine at codon 157 of the BRIP1 protein (p.Glu157Gln). The glutamic acid residue is moderately conserved and there is a small physicochemical difference between glutamic acid and glutamine.